The following is an entry in ClinVar:

NM_002775.5(HTRA1):c.578C>T (p.Pro193Leu)

Gene: HTRA1 (HtrA serine peptidase 1; plus strand). Cytogenetic location: 10q26.13.
Variant type: single nucleotide variant.
Coding change: c.578C>T on transcript NM_002775.5 (MANE Select); coding-DNA position 578, C replaced by T.
Protein change: p.Pro193Leu; replaces proline 193 with leucine.
Molecular consequence: missense variant.
Genome position (GRCh38, 1-based): chr10:122,489,427, C>T. VCF-style: chr10-122489427-C-T. GRCh37 (hg19) VCF-style: chr10-124248943-C-T.
Other names: short protein forms P193L.
Identifiers: ClinVar variation 878845 (VCV000878845.6), dbSNP rs748367895, ClinGen allele CA5725880.
Genomic context (GRCh38, chr10:122,489,427, plus strand): 5'-GAAGCGTTCATTTTAAGGTGCTACAGGCTTAAGTGTGTACTCCTTTGGATTTTAGGCTTC[C>T]GTTTTCTAAACGAGAGGTGCCGGTGGCTAGTGGGTCTGGGTTTATTGTGTCGGAAGATGG-3'
Protein context (NP_002766.1, residues 183-203): VVHIELFRKL[Pro193Leu]FSKREVPVAS

ClinVar aggregate classification (germline): Uncertain significance. Review status: criteria provided, multiple submitters, no conflicts (2 of 4 stars). 3 submissions from 3 submitters: Uncertain significance (3). Last evaluated 2024-03-11.

Conditions:
Macular degeneration. Also called: Degenerative disorder of macula. Identifiers: MedGen C0024437, MONDO:0003004, HP:0000608.
Inborn genetic diseases. Identifiers: MedGen C0950123, MeSH D030342.

Allele frequency attached by ClinVar (database versions not stated): gnomAD 0.00001; ExAC 0.00002; gnomAD exomes 0.00002 and 0.00003; TOPMed 0.00003.
gnomAD v4.1: 44 of 1,613,934 alleles (0.0027%); highest among the groups gnomAD compares: Admixed American, 0.005%; no homozygotes.

Submissions (3):

Ambry Genetics
Classification: Uncertain significance for Inborn genetic diseases. Last evaluated: 2024-03-11. Review status: criteria provided, single submitter. Criteria: Ambry Variant Classification Scheme 2023. Collection method: clinical testing. Allele origin: germline.

Labcorp Genetics (formerly Invitae), Labcorp
Classification: Uncertain significance. Last evaluated: 2022-01-02. Review status: criteria provided, single submitter. Criteria: Invitae Variant Classification Sherloc (09022015). Collection method: clinical testing. Allele origin: germline.
Comment: This sequence change replaces proline, which is neutral and non-polar, with leucine, which is neutral and non-polar, at codon 193 of the HTRA1 protein (p.Pro193Leu). This variant is present in population databases (rs748367895, gnomAD 0.006%). This variant has not been reported in the literature in individuals affected with HTRA1-related conditions. ClinVar contains an entry for this variant (Variation ID: 878845). Algorithms developed to predict the effect of missense changes on protein structure and function (SIFT, PolyPhen-2, Align-GVGD) all suggest that this variant is likely to be tolerated. In summary, the available evidence is currently insufficient to determine the role of this variant in disease. Therefore, it has been classified as a Variant of Uncertain Significance.

Illumina Laboratory Services, Illumina
Classification: Uncertain significance for Macular degeneration. Last evaluated: 2018-01-12. Review status: criteria provided, single submitter. Criteria: ICSL Variant Classification Criteria 13 December 2019. Collection method: clinical testing. Allele origin: germline.